The following is an entry in ClinVar:

NM_017777.4(MKS1):c.*75C>A

Gene: MKS1 (MKS transition zone complex subunit 1; minus strand). Cytogenetic location: 17q22.
Variant type: single nucleotide variant.
Coding change: c.*75C>A on transcript NM_017777.4 (MANE Select); 75 bases downstream of the stop codon, C replaced by A.
Molecular consequence: 3 prime UTR variant. On other transcripts: missense variant (1).
Genome position (GRCh38, 1-based): chr17:58,206,004, G>T on the plus strand (C>A on the coding strand, the complement: MKS1 is on the minus strand). VCF-style: chr17-58206004-G-T. GRCh37 (hg19) VCF-style: chr17-56283365-G-T.
Other names: c.*75C>A (NM_001321268.2); c.1672C>A, p.Arg558Ser (NM_001321269.2); c.*167C>A (NM_001330397.2); short protein forms R558S.
Identifiers: ClinVar variation 4981194 (VCV004981194.1).

ClinVar aggregate classification (germline): Uncertain significance (1 of 4 stars; one submission).

Conditions:
MKS1-related disorder. Also called: MKS1-related disorders; MKS1-related condition. Identifiers: MedGen CN239382.

gnomAD v4.1: 22 of 1,550,198 alleles (0.0014%); highest among the groups gnomAD compares: Non-Finnish European, 0.0016%; no homozygotes.

Submission:

PreventionGenetics, part of Exact Sciences
Classification: Uncertain significance for MKS1-related condition. Last evaluated: 2025-10-09. Review status: criteria provided, single submitter. Criteria: ACMG Guidelines, 2015. Collection method: clinical testing. Allele origin: germline.
Comment: The MKS1 c.1672C>A variant is predicted to result in the amino acid substitution p.Arg558Ser. To our knowledge, this variant has not been reported in the literature or in a large population database (gnomAD), indicating this variant is rare. This variant corresponds to a post-coding position in the primary transcript used by HGMD (NM_017777:c.*75C>A). At this time, the clinical significance of this variant is uncertain due to the absence of conclusive functional and genetic evidence.